The following is an entry in ClinVar:

NM_004444.5(EPHB4):c.2561T>C (p.Leu854Pro)

Genes: EPHB4 (EPH receptor B4; minus strand), LOC126860124 (CDK7 strongly-dependent group 2 enhancer GRCh37_chr7:100403701-100404900; plus strand). Cytogenetic location: 7q22.1.
Variant type: single nucleotide variant.
Coding change: c.2561T>C on transcript NM_004444.5 (MANE Select); coding-DNA position 2561, T replaced by C.
Protein change: p.Leu854Pro; replaces leucine 854 with proline.
Molecular consequence: missense variant.
Genome position (GRCh38, 1-based): chr7:100,805,618, A>G on the plus strand (T>C on the coding strand, the complement: EPHB4 is on the minus strand). VCF-style: chr7-100805618-A-G. GRCh37 (hg19) VCF-style: chr7-100403240-A-G.
Other names: short protein forms L854P.
Identifiers: ClinVar variation 2714211 (VCV002714211.3), dbSNP rs2484997977, ClinGen allele CA368567008.

ClinVar aggregate classification (germline): Uncertain significance (1 of 4 stars; one submission).

Submission:

Labcorp Genetics (formerly Invitae), Labcorp
Classification: Uncertain significance. Last evaluated: 2024-01-30. Review status: criteria provided, single submitter. Criteria: Invitae Variant Classification Sherloc (09022015). Collection method: clinical testing. Allele origin: germline.
Comment: This sequence change replaces leucine, which is neutral and non-polar, with proline, which is neutral and non-polar, at codon 854 of the EPHB4 protein (p.Leu854Pro). This variant is not present in population databases (gnomAD no frequency). This variant has not been reported in the literature in individuals affected with EPHB4-related conditions. Advanced modeling of protein sequence and biophysical properties (such as structural, functional, and spatial information, amino acid conservation, physicochemical variation, residue mobility, and thermodynamic stability) performed at Invitae indicates that this missense variant is expected to disrupt EPHB4 protein function with a positive predictive value of 80%. In summary, the available evidence is currently insufficient to determine the role of this variant in disease. Therefore, it has been classified as a Variant of Uncertain Significance.